The following is an entry in ClinVar:

NM_001018005.2(TPM1):c.460A>G (p.Ile154Val)

Gene: TPM1 (tropomyosin 1; plus strand). Cytogenetic location: 15q22.2.
Variant type: single nucleotide variant.
Coding change: c.460A>G on transcript NM_001018005.2 (MANE Select); coding-DNA position 460, A replaced by G.
Protein change: p.Ile154Val; replaces isoleucine 154 with valine.
Molecular consequence: missense variant.
Genome position (GRCh38, 1-based): chr15:63,059,648, A>G. VCF-style: chr15-63059648-A-G. GRCh37 (hg19) VCF-style: chr15-63351847-A-G.
Other names: c.460A>G, p.Ile154Val (NM_000366.6, NM_001018004.2, NM_001018006.2 and 6 more transcripts); c.352A>G, p.Ile118Val (NM_001018008.2, NM_001301289.2, NM_001330344.2 and 5 more transcripts); c.586A>G, p.Ile196Val (NM_001365778.1); short protein forms I154V, I118V, I196V.
Identifiers: ClinVar variation 505158 (VCV000505158.21), dbSNP rs1555408679, ClinGen allele CA392722376.

ClinVar aggregate classification (germline): Conflicting classifications of pathogenicity. Review status: criteria provided, conflicting classifications (1 of 4 stars). 6 submissions from 6 submitters: Likely pathogenic (1); Uncertain significance (5). Last evaluated 2025-09-10.

Conditions:
Cardiovascular phenotype. Identifiers: MedGen CN230736.
Hypertrophic cardiomyopathy. Also called: HYPERTROPHIC MYOCARDIOPATHY. Identifiers: Orphanet 217569, MedGen C0007194, MeSH D002312, MONDO:0005045, HP:0001639.
Cardiomyopathy (CMYO). Also called: Cardiomyopathies. Identifiers: Orphanet 167848, MedGen C0878544, MONDO:0004994, HP:0001638. Inheritance: Various modes of inheritance.

Submissions (6):

Labcorp Genetics (formerly Invitae), Labcorp
Classification: Uncertain significance for Hypertrophic cardiomyopathy. Last evaluated: 2025-09-10. Review status: criteria provided, single submitter. Criteria: Invitae Variant Classification Sherloc (09022015). Collection method: clinical testing. Allele origin: germline.
Comment: This sequence change replaces isoleucine, which is neutral and non-polar, with valine, which is neutral and non-polar, at codon 154 of the TPM1 protein (p.Ile154Val). This variant is not present in population databases (gnomAD no frequency). This missense change has been observed in individual(s) with hypertrophic cardiomyopathy (internal data). ClinVar contains an entry for this variant (Variation ID: 505158). An algorithm developed to predict the effect of missense changes on protein structure and function (PolyPhen-2) suggests that this variant is likely to be disruptive. In summary, the available evidence is currently insufficient to determine the role of this variant in disease. Therefore, it has been classified as a Variant of Uncertain Significance.

Molecular Diagnostic Laboratory for Inherited Cardiovascular Disease, Montreal Heart Institute
Classification: Likely pathogenic for Cardiovascular phenotype. Last evaluated: 2025-03-28. Review status: criteria provided, single submitter. Criteria: ACMG Guidelines, 2015. Collection method: clinical testing. Allele origin: germline. Affected: yes.
Comment: PP1_strong, PM2, PS4_supp, PP2

Ambry Genetics
Classification: Uncertain significance for Cardiovascular phenotype. Last evaluated: 2024-09-08. Review status: criteria provided, single submitter. Criteria: Ambry Variant Classification Scheme 2023. Collection method: clinical testing. Allele origin: germline.
Comment: The p.I154V variant (also known as c.460A>G), located in coding exon 4 of the TPM1 gene, results from an A to G substitution at nucleotide position 460. The isoleucine at codon 154 is replaced by valine, an amino acid with highly similar properties. This amino acid position is conserved. In addition, this alteration is predicted to be deleterious by in silico analysis. Based on the available evidence, the clinical significance of this variant remains unclear.

Blueprint Genetics
Classification: Uncertain significance. Last evaluated: 2023-04-03. Review status: criteria provided, single submitter. Criteria: ACMG Guidelines, 2015. Collection method: clinical testing. Allele origin: germline.

CHEO Genetics Diagnostic Laboratory, Children's Hospital of Eastern Ontario
Classification: Uncertain significance for Cardiomyopathy. Last evaluated: 2020-07-03. Review status: criteria provided, single submitter. Criteria: ACMG Guidelines, 2015. Collection method: clinical testing. Allele origin: germline.

Laboratory for Molecular Medicine, Mass General Brigham Personalized Medicine
Classification: Uncertain significance. Last evaluated: 2016-06-24. Review status: criteria provided, single submitter. Criteria: LMM Criteria. Collection method: clinical testing. Allele origin: germline. Observed: 2 variant alleles.
Comment: The p.Ile154Val variant in TPM1 has not been previously reported in individuals with cardiomyopathy or in large population studies. Computational prediction too ls and conservation analysis do not provide strong support for or against an imp act to the protein. In summary, the clinical significance of the p.Ile154Val var iant is uncertain.